The following is an entry in ClinVar:

ClinVar aggregate classification (germline): Conflicting classifications of pathogenicity. Review status: criteria provided, conflicting classifications (1 of 4 stars). 5 submissions from 5 submitters: Pathogenic (1); Likely pathogenic (1); Uncertain significance (3). Last evaluated 2025-11-03.

Conditions:
CPT1A-related disorder. Also called: CPT1A-related condition.
Carnitine palmitoyl transferase 1A deficiency. Also called: CPT deficiency, hepatic, type IA; Carnitine palmitoyltransferase type I deficiency; Carnitine palmitoyltransferase 1A deficiency; CPT I DEFICIENCY; CPT DEFICIENCY, HEPATIC, TYPE I. Identifiers: Orphanet 156, MedGen C1829703, MONDO:0009705, OMIM 255120.

Submissions (5):

Labcorp Genetics (formerly Invitae), Labcorp
Classification: Pathogenic for Carnitine palmitoyl transferase 1A deficiency. Last evaluated: 2025-11-03. Review status: criteria provided, single submitter. Criteria: Invitae Variant Classification Sherloc (09022015). Collection method: clinical testing. Allele origin: germline.
Comment: This sequence change replaces serine, which is neutral and polar, with proline, which is neutral and non-polar, at codon 34 of the CPT1A protein (p.Ser34Pro). This variant is not present in population databases (gnomAD no frequency). This missense change has been observed in individuals with CPT1A-related conditions (PMID: 35822099; internal data). However, some individuals who are homozygous for this variant may be asymptomatic (PMID: 35822099). ClinVar contains an entry for this variant (Variation ID: 93971). An algorithm developed to predict the effect of missense changes on protein structure and function outputs the following: PolyPhen-2: "Benign". The proline amino acid residue is found in multiple mammalian species, which suggests that this missense change does not adversely affect protein function. This variant disrupts the p.Ser34 amino acid residue in CPT1A. Other variant(s) that disrupt this residue have been determined to be pathogenic (internal data). This suggests that this residue is clinically significant, and that variants that disrupt this residue are likely to be disease-causing. For these reasons, this variant has been classified as Pathogenic.

PreventionGenetics, part of Exact Sciences
Classification: Uncertain significance for CPT1A-related condition. Last evaluated: 2023-09-20. Review status: criteria provided, single submitter. Criteria: ACMG Guidelines, 2015. Collection method: clinical testing. Allele origin: germline.
Comment: The CPT1A c.100T>C variant is predicted to result in the amino acid substitution p.Ser34Pro. This variant has been detected in the homozygous state in multiple individuals through expanded metabolic screening (EMS), including in three unaffected homozygous adults ascertained during family follow up studies (Table 1, Bernhardt et al. 2022. PubMed ID: 35822099). In the 22 cases described, none were reported to have episodes of significant metabolic decompensation (age range 5 weeks to 33 years), and for 10 cases no dietary management was included as part of treatment. In vitro functional study of cells from an unaffected homozygous individual showed residual CPT1A enzyme activity at ~26% of controls (Bernhardt et al. 2022. PubMed ID: 35822099). This variant has not been reported in a large population database but is predicted to be common in the Micronesian population based on the number of homozygous individuals detected through EMS (Bernhardt et al. 2022. PubMed ID: 35822099). Although we suspect this variant is likely benign, without formal fasting studies it is unclear if this variant could result in mild clinical consequences. At this time, the clinical significance of this variant is uncertain.

GeneDx
Classification: Likely pathogenic. Last evaluated: 2023-02-10. Review status: criteria provided, single submitter. Criteria: GeneDx Variant Classification Process June 2021. Collection method: clinical testing. Allele origin: germline. Affected: yes.
Comment: In silico analysis supports that this missense variant has a deleterious effect on protein structure/function; Not observed at significant frequency in large population cohorts (gnomAD); This variant is associated with the following publications: (PMID: 35822099)

Fulgent Genetics
Classification: Uncertain significance for Carnitine palmitoyl transferase 1A deficiency. Last evaluated: 2018-10-31. Review status: criteria provided, single submitter. Criteria: ACMG Guidelines, 2015. Collection method: clinical testing. Allele origin: unknown.

Eurofins Ntd Llc (ga)
Classification: Uncertain significance. Last evaluated: 2018-07-20. Review status: criteria provided, single submitter. Criteria: EGL ClinVar v180209 classification definitions. Collection method: clinical testing. Allele origin: germline. Observed: 15 variant alleles, 14 homozygotes, 1 hemizygote.

Literature cited by the submitters: PubMed 35822099 (cited by Labcorp Genetics (formerly Invitae), Labcorp).

NM_001876.4(CPT1A):c.100T>C (p.Ser34Pro)

Gene: CPT1A (carnitine palmitoyltransferase 1A; minus strand). Cytogenetic location: 11q13.3.
Variant type: single nucleotide variant.
Coding change: c.100T>C on transcript NM_001876.4 (MANE Select); coding-DNA position 100, T replaced by C.
Protein change: p.Ser34Pro; replaces serine 34 with proline.
Molecular consequence: missense variant.
Genome position (GRCh38, 1-based): chr11:68,815,375, A>G on the plus strand (T>C on the coding strand, the complement: CPT1A is on the minus strand). VCF-style: chr11-68815375-A-G. GRCh37 (hg19) VCF-style: chr11-68582843-A-G.
Other names: c.100T>C, p.Ser34Pro (NM_001031847.3); short protein forms S34P.
Identifiers: ClinVar variation 93971 (VCV000093971.21), dbSNP rs398123653, ClinGen allele CA221850.